The following is an entry in ClinVar:

ClinVar aggregate classification (germline): Uncertain significance. Review status: criteria provided, multiple submitters, no conflicts (2 of 4 stars). 4 submissions from 4 submitters: Uncertain significance (4). Last evaluated 2025-11-10.

Conditions:
Myopathy, proximal, and ophthalmoplegia (CMYO6). Also called: INCLUSION BODY MYOPATHY 3, AUTOSOMAL DOMINANT; MYOPATHY WITH CONGENITAL JOINT CONTRACTURES, OPHTHALMOPLEGIA, AND RIMMED VACUOLES; CONGENITAL MYOPATHY 6 WITH OPHTHALMOPLEGIA. Identifiers: Orphanet 363677, Orphanet 79091, MedGen C1854106, MONDO:0011577, OMIM 605637.
Inborn genetic diseases. Identifiers: MedGen C0950123, MeSH D030342.

Allele frequency attached by ClinVar (database versions not stated): gnomAD 0.00001; TOPMed 0.00001; gnomAD exomes 0.00002; ExAC 0.00003.
gnomAD v4.1: 24 of 1,614,082 alleles (0.0015%); highest among the groups gnomAD compares: Admixed American, 0.0033%; no homozygotes.

Submissions (4):

Labcorp Genetics (formerly Invitae), Labcorp
Classification: Uncertain significance for Myopathy, proximal, and ophthalmoplegia. Last evaluated: 2025-11-10. Review status: criteria provided, single submitter. Criteria: Invitae Variant Classification Sherloc (09022015). Collection method: clinical testing. Allele origin: germline.
Comment: This sequence change replaces glutamic acid, which is acidic and polar, with lysine, which is basic and polar, at codon 436 of the MYH2 protein (p.Glu436Lys). This variant is present in population databases (rs756281353, gnomAD 0.007%). This variant has not been reported in the literature in individuals affected with MYH2-related conditions. ClinVar contains an entry for this variant (Variation ID: 944077). Invitae Evidence Modeling of protein sequence and biophysical properties (such as structural, functional, and spatial information, amino acid conservation, physicochemical variation, residue mobility, and thermodynamic stability) indicates that this missense variant is not expected to disrupt MYH2 protein function with a negative predictive value of 80%. In summary, the available evidence is currently insufficient to determine the role of this variant in disease. Therefore, it has been classified as a Variant of Uncertain Significance.

Ambry Genetics
Classification: Uncertain significance for Inborn genetic diseases. Last evaluated: 2025-08-12. Review status: criteria provided, single submitter. Criteria: Ambry Variant Classification Scheme 2023. Collection method: clinical testing. Allele origin: germline.

CeGaT Center for Human Genetics Tuebingen
Classification: Uncertain significance. Last evaluated: 2023-10-01. Review status: criteria provided, single submitter. Criteria: CeGaT Center For Human Genetics Tuebingen Variant Classification Criteria Version 2. Collection method: clinical testing. Allele origin: germline. Affected: yes. Observed: 1 variant allele.
Comment: MYH2: PM2

Revvity Omics, Revvity
Classification: Uncertain significance for Myopathy, proximal, and ophthalmoplegia. Last evaluated: 2019-03-27. Review status: criteria provided, single submitter. Criteria: ACMG Guidelines, 2015. Collection method: clinical testing. Allele origin: germline.

NM_017534.6(MYH2):c.1306G>A (p.Glu436Lys)

Genes: MYHAS (myosin heavy chain gene cluster antisense RNA; plus strand), MYH2 (myosin heavy chain 2; minus strand). Cytogenetic location: 17p13.1.
Variant type: single nucleotide variant.
Coding change: c.1306G>A on transcript NM_017534.6 (MANE Select); coding-DNA position 1306, G replaced by A.
Protein change: p.Glu436Lys; replaces glutamic acid 436 with lysine.
Molecular consequence: missense variant.
Genome position (GRCh38, 1-based): chr17:10,539,315, C>T on the plus strand (G>A on the coding strand, the complement: MYH2 is on the minus strand). VCF-style: chr17-10539315-C-T. GRCh37 (hg19) VCF-style: chr17-10442632-C-T.
Other names: c.1306G>A, p.Glu436Lys (NM_001100112.2); short protein forms E436K.
Identifiers: ClinVar variation 944077 (VCV000944077.34), dbSNP rs756281353, ClinGen allele CA8391391.